The following is an entry in ClinVar:

NM_003482.4(KMT2D):c.10514C>G (p.Ala3505Gly)

Gene: KMT2D (lysine methyltransferase 2D; minus strand). Cytogenetic location: 12q13.12.
Variant type: single nucleotide variant.
Coding change: c.10514C>G on transcript NM_003482.4 (MANE Select); coding-DNA position 10514, C replaced by G.
Protein change: p.Ala3505Gly; replaces alanine 3505 with glycine.
Molecular consequence: missense variant.
Genome position (GRCh38, 1-based): chr12:49,034,293, G>C on the plus strand (C>G on the coding strand, the complement: KMT2D is on the minus strand). VCF-style: chr12-49034293-G-C. GRCh37 (hg19) VCF-style: chr12-49428076-G-C.
Other names: short protein forms A3505G.
Identifiers: ClinVar variation 1809847 (VCV001809847.1), dbSNP rs2120455323, ClinGen allele CA384728580.

ClinVar aggregate classification (germline): Uncertain significance (1 of 4 stars; one submission).

Submission:

GeneDx
Classification: Uncertain significance. Last evaluated: 2022-06-28. Review status: criteria provided, single submitter. Criteria: GeneDx Variant Classification Process June 2021. Collection method: clinical testing. Allele origin: germline. Affected: yes.
Comment: Not observed at significant frequency in large population cohorts (gnomAD); In silico analysis supports that this missense variant does not alter protein structure/function; Has not been previously published as pathogenic or benign to our knowledge